The following is an entry in ClinVar:

NM_001375808.2(LPIN2):c.2183A>G (p.Tyr728Cys)

Gene: LPIN2 (lipin 2; minus strand). Cytogenetic location: 18p11.31.
Variant type: single nucleotide variant.
Coding change: c.2183A>G on transcript NM_001375808.2 (MANE Select); coding-DNA position 2183, A replaced by G.
Protein change: p.Tyr728Cys; replaces tyrosine 728 with cysteine.
Molecular consequence: missense variant.
Genome position (GRCh38, 1-based): chr18:2,922,191, T>C on the plus strand (A>G on the coding strand, the complement: LPIN2 is on the minus strand). VCF-style: chr18-2922191-T-C. GRCh37 (hg19) VCF-style: chr18-2922189-T-C.
Other names: c.2183A>G, p.Tyr728Cys (NM_001375809.1, NM_014646.2); short protein forms Y728C.
Identifiers: ClinVar variation 1494359 (VCV001494359.9), dbSNP rs1335621701, ClinGen allele CA401697830.

ClinVar aggregate classification (germline): Uncertain significance. Review status: criteria provided, multiple submitters, no conflicts (2 of 4 stars). 2 submissions from 2 submitters: Uncertain significance (2). Last evaluated 2022-11-29.

Conditions:
Majeed syndrome (MJDS). Also called: CHRONIC RECURRENT MULTIFOCAL OSTEOMYELITIS 1, WITH CONGENITAL DYSERYTHROPOIETIC ANEMIA, WITH OR WITHOUT NEUTROPHILIC DERMATOSIS; LPIN2-Related Majeed Syndrome. Identifiers: Orphanet 77297, MedGen C1864997, MONDO:0012316, OMIM 609628.

Allele frequency attached by ClinVar (database versions not stated): gnomAD exomes below 0.00001.
gnomAD v4.1: 4 of 1,613,954 alleles (0.00025%); highest among the groups gnomAD compares: Non-Finnish European, 0.00025%; no homozygotes.

Submissions (2):

Blueprint Genetics
Classification: Uncertain significance. Last evaluated: 2022-11-29. Review status: criteria provided, single submitter. Criteria: ACMG Guidelines, 2015. Collection method: clinical testing. Allele origin: germline.

Labcorp Genetics (formerly Invitae), Labcorp
Classification: Uncertain significance for Majeed syndrome. Last evaluated: 2021-05-28. Review status: criteria provided, single submitter. Criteria: Invitae Variant Classification Sherloc (09022015). Collection method: clinical testing. Allele origin: germline.
Comment: This variant has not been reported in the literature in individuals with LPIN2-related conditions. Algorithms developed to predict the effect of missense changes on protein structure and function (SIFT, PolyPhen-2, Align-GVGD) all suggest that this variant is likely to be disruptive, but these predictions have not been confirmed by published functional studies and their clinical significance is uncertain. In summary, the available evidence is currently insufficient to determine the role of this variant in disease. Therefore, it has been classified as a Variant of Uncertain Significance. This sequence change replaces tyrosine with cysteine at codon 728 of the LPIN2 protein (p.Tyr728Cys). The tyrosine residue is highly conserved and there is a large physicochemical difference between tyrosine and cysteine. This variant is not present in population databases (ExAC no frequency).